The following is an entry in ClinVar:

NM_001844.5(COL2A1):c.1888G>A (p.Gly630Ser)

Gene: COL2A1 (collagen type II alpha 1 chain; minus strand). Cytogenetic location: 12q13.11.
Variant type: single nucleotide variant.
Coding change: c.1888G>A on transcript NM_001844.5 (MANE Select); coding-DNA position 1888, G replaced by A.
Protein change: p.Gly630Ser; replaces glycine 630 with serine.
Molecular consequence: missense variant.
Genome position (GRCh38, 1-based): chr12:47,984,140, C>T on the plus strand (G>A on the coding strand, the complement: COL2A1 is on the minus strand). VCF-style: chr12-47984140-C-T. GRCh37 (hg19) VCF-style: chr12-48377923-C-T.
Other names: c.1681G>A, p.Gly561Ser (NM_033150.3); c.1888G>A (NM_001844.4); short protein forms G561S, G630S.
Identifiers: ClinVar variation 1013347 (VCV001013347.40), dbSNP rs1326550771, ClinGen allele CA384549141.
Genomic context (GRCh38, chr12:47,984,140, plus strand): 5'-TACTTACAGCAGGGCCAGGGGGTCCTGCAGCACCTGTCTCACCATCTTTGCCAGGAAGAC[C>T]CTAGACAGAAGAGAAAAAGAAAAGTCAATGACACGCTTTTCTTCCCACTTGCAGTCCCCC-3'
Protein context (NP_001835.3, residues 620-640): KGLPGAPGLR[Gly630Ser]LPGKDGETGA

ClinVar aggregate classification (germline): Likely pathogenic. Review status: criteria provided, multiple submitters, no conflicts (2 of 4 stars). 3 submissions from 3 submitters: Likely pathogenic (3). Last evaluated 2026-03-10.

Conditions:
Legg-Calve-Perthes disease. Also called: Osteochondritis deformans; Coxa plana; Avascular necrosis of the capital femoral epiphysis; PERTHES DISEASE. Identifiers: Orphanet 2380, MedGen C1442965, MONDO:0007885, OMIM 150600, HP:0005743.

Submissions (3):

Clinical Biomedical Laboratory, Shriners Hospital For Children - Canada
Classification: Likely pathogenic for Legg-Calve-Perthes disease. Last evaluated: 2026-03-10. Review status: criteria provided, single submitter. Criteria: ACMG Guidelines, 2015. Collection method: clinical testing. Allele origin: germline. Affected: yes.
Comment: This variant changes a glycine residue in collagen type II to a serine residue. Variants in COL2A1 are associated with a dominant form of Perthes disease, which corresponds to the phenotype of the proband. The variant is not present in the gnomAD database, indicating it is rare. Overall, the available evidence indicates that the variant is pathogenic.

GeneDx
Classification: Likely pathogenic. Last evaluated: 2023-10-07. Review status: criteria provided, single submitter. Criteria: GeneDx Variant Classification Process June 2021. Collection method: clinical testing. Allele origin: germline. Affected: yes.
Comment: Occurs in the triple helical domain and replaces a glycine in a canonical Gly-X-Y repeat; missense substitution of a canonical glycine residue is expected to disrupt normal protein folding and function, and this is an established mechanism of disease (PMID: 34007986); Not observed at significant frequency in large population cohorts (gnomAD); In silico analysis supports that this missense variant has a deleterious effect on protein structure/function; In silico analysis suggests this variant may impact gene splicing. In the absence of RNA/functional studies, the actual effect of this sequence change is unknown.; This variant is associated with the following publications: (PMID: 34007986, 24949742)

CeGaT Center for Human Genetics Tuebingen
Classification: Likely pathogenic. Last evaluated: 2020-07-01. Review status: criteria provided, single submitter. Criteria: CeGaT Center For Human Genetics Tuebingen Variant Classification Criteria Version 2. Collection method: clinical testing. Allele origin: germline. Affected: yes. Observed: 1 variant allele.